The following is an entry in ClinVar:

ClinVar aggregate classification (germline): Uncertain significance (1 of 4 stars; one submission).

Conditions:
T-cell immunodeficiency, congenital alopecia, and nail dystrophy. Also called: Congenital alopecia and nail dystrophy associated with severe functional T-cell immunodeficiency; Pignata Guarino syndrome. Identifiers: Orphanet 169095, MedGen C1866426, MONDO:0011132, OMIM 601705.

Submission:

Labcorp Genetics (formerly Invitae), Labcorp
Classification: Uncertain significance for T-cell immunodeficiency, congenital alopecia, and nail dystrophy. Last evaluated: 2023-10-23. Review status: criteria provided, single submitter. Criteria: Invitae Variant Classification Sherloc (09022015). Collection method: clinical testing. Allele origin: germline.
Comment: This sequence change replaces alanine, which is neutral and non-polar, with aspartic acid, which is acidic and polar, at codon 630 of the FOXN1 protein (p.Ala630Asp). This variant is not present in population databases (gnomAD no frequency). This variant has not been reported in the literature in individuals affected with FOXN1-related conditions. An algorithm developed to predict the effect of missense changes on protein structure and function (PolyPhen-2) suggests that this variant is likely to be tolerated. In summary, the available evidence is currently insufficient to determine the role of this variant in disease. Therefore, it has been classified as a Variant of Uncertain Significance.

NM_001369369.1(FOXN1):c.1889C>A (p.Ala630Asp)

Gene: FOXN1 (forkhead box N1; plus strand). Cytogenetic location: 17q11.2.
Variant type: single nucleotide variant.
Coding change: c.1889C>A on transcript NM_001369369.1 (MANE Select); coding-DNA position 1889, C replaced by A.
Protein change: p.Ala630Asp; replaces alanine 630 with aspartic acid.
Molecular consequence: missense variant.
Genome position (GRCh38, 1-based): chr17:28,537,378, C>A. VCF-style: chr17-28537378-C-A. GRCh37 (hg19) VCF-style: chr17-26864396-C-A.
Other names: c.1889C>A, p.Ala630Asp (NM_003593.3); short protein forms A630D.
Identifiers: ClinVar variation 2768199 (VCV002768199.3), dbSNP rs2508444668, ClinGen allele CA398328664.
Genomic context (GRCh38, chr17:28,537,378, plus strand): 5'-ACCTGCACCTCACCACCCTCTACTCTGCCTTTATGGAGCTGGAGCCCACGCCCCCCACGG[C>A]CCCTGCAGGCCCCTCTGTGTACCTCAGCCCCAGCTCCAAGCCCGTGGCCCTGGCATGAGC-3'
Protein context (NP_001356298.1, residues 620-640): FMELEPTPPT[Ala630Asp]PAGPSVYLSP